The following is an entry in ClinVar:

NM_000143.4(FH):c.1470del (p.Tyr491fs)

Gene: FH (fumarate hydratase; minus strand). Cytogenetic location: 1q43.
Variant type: Deletion.
Coding change: c.1470del on transcript NM_000143.4 (MANE Select); coding-DNA position 1470, one base deleted (C; older notation c.1470delC).
Protein change: p.Tyr491fs; shifts the reading frame from tyrosine 491.
Molecular consequence: frameshift variant.
Genome position (GRCh38, 1-based): chr1:241,497,891, G deleted on the plus strand (C on the coding strand, the reverse complement: FH is on the minus strand). VCF-style (leftmost placement, unchanged base first): chr1-241497890-AG-A. GRCh37 (hg19) VCF-style: chr1-241661190-AG-A.
Other names: short protein forms Y491fs.
Identifiers: ClinVar variation 4827309 (VCV004827309.1).

ClinVar aggregate classification (germline): Pathogenic (1 of 4 stars; one submission).

Conditions:
Hereditary cancer-predisposing syndrome. Also called: Neoplastic Syndromes, Hereditary; Tumor predisposition; Hereditary Cancer Syndrome; Hereditary neoplastic syndrome. Identifiers: Orphanet 140162, MedGen C0027672, MeSH D009386, MONDO:0015356.

Submission:

Ambry Genetics
Classification: Pathogenic for Hereditary cancer-predisposing syndrome. Last evaluated: 2026-03-02. Review status: criteria provided, single submitter. Criteria: Ambry Variant Classification Scheme 2023. Collection method: clinical testing. Allele origin: germline.
Comment: The c.1470delC pathogenic mutation, located in coding exon 10 of the FH gene, results from a deletion of one nucleotide at nucleotide position 1470, causing a translational frameshift with a predicted alternate stop codon (p.Y491Ifs*11). This variant occurs at the 3' terminus of the gene, is not expected to trigger nonsense-mediated mRNA decay, and impacts the last 3.9% of the protein. However, premature stop codons are typically deleterious in nature and the impacted region is critical for protein function (Ambry internal data). This variant is considered to be rare based on population cohorts in the Genome Aggregation Database (gnomAD). Based on the supporting evidence, this variant is interpreted as a disease-causing mutation.